The following is an entry in ClinVar:

NM_139058.3(ARX):c.1623G>C (p.Glu541Asp)

Gene: ARX (aristaless related homeobox; minus strand). Cytogenetic location: Xp21.3.
Variant type: single nucleotide variant.
Coding change: c.1623G>C on transcript NM_139058.3 (MANE Select); coding-DNA position 1623, G replaced by C.
Protein change: p.Glu541Asp; replaces glutamic acid 541 with aspartic acid.
Molecular consequence: missense variant.
Genome position (GRCh38, 1-based): chrX:25,004,736, C>G on the plus strand (G>C on the coding strand, the complement: ARX is on the minus strand). VCF-style: chrX-25004736-C-G. GRCh37 (hg19) VCF-style: chrX-25022853-C-G.
Other names: short protein forms E541D.
Identifiers: ClinVar variation 1331554 (VCV001331554.4), dbSNP rs1487981076, ClinGen allele CA412610627.

ClinVar aggregate classification (germline): Uncertain significance (1 of 4 stars; one submission).

Submission:

Greenwood Genetic Center Diagnostic Laboratories, Greenwood Genetic Center
Classification: Uncertain significance. Last evaluated: 2020-12-22. Review status: criteria provided, single submitter. Criteria: ACMG Guidelines, 2015. Collection method: clinical testing. Allele origin: germline. Affected: yes.
Comment: PP3, PM1, PM2